The following is an entry in ClinVar:

ClinVar aggregate classification (germline): Pathogenic. Review status: criteria provided, multiple submitters, no conflicts (2 of 4 stars). 2 submissions from 2 submitters: Pathogenic (2). Last evaluated 2022-02-04.

Conditions:
Hereditary breast ovarian cancer syndrome. Also called: Hereditary breast and ovarian cancer; Hereditary breast and ovarian cancer syndrome (HBOC); Breast and ovarian cancer; Hereditary breast and ovarian cancer syndrome; Hereditary breast and/or ovarian cancer syndrome; BRCA1- and BRCA2-Associated Hereditary Breast and Ovarian Cancer. Identifiers: Orphanet 145, MedGen C0677776, MeSH D061325, MONDO:0003582. Disease mechanism: loss of function.
Hereditary cancer-predisposing syndrome. Also called: Tumor predisposition; Neoplastic Syndromes, Hereditary; Hereditary Cancer Syndrome; Hereditary neoplastic syndrome. Identifiers: Orphanet 140162, MedGen C0027672, MeSH D009386, MONDO:0015356.

Submissions (2):

Labcorp Genetics (formerly Invitae), Labcorp
Classification: Pathogenic for Hereditary breast ovarian cancer syndrome. Last evaluated: 2022-02-04. Review status: criteria provided, single submitter. Criteria: Invitae Variant Classification Sherloc (09022015). Collection method: clinical testing. Allele origin: germline.
Comment: For these reasons, this variant has been classified as Pathogenic. This sequence change creates a premature translational stop signal (p.Trp385Cysfs*9) in the BRCA1 gene. It is expected to result in an absent or disrupted protein product. Loss-of-function variants in BRCA1 are known to be pathogenic (PMID: 20104584). This variant is not present in population databases (gnomAD no frequency). This variant has not been reported in the literature in individuals affected with BRCA1-related conditions.

Ambry Genetics
Classification: Pathogenic for Hereditary cancer-predisposing syndrome. Last evaluated: 2019-12-27. Review status: criteria provided, single submitter. Criteria: Ambry Variant Classification Scheme 2023. Collection method: clinical testing. Allele origin: germline.
Comment: The c.1155delG variant, located in coding exon 9 of the BRCA1 gene, results from a deletion of one nucleotide at nucleotide position 1155, causing a translational frameshift with a predicted alternate stop codon (p.W385Cfs*9). This alteration is expected to result in loss of function by premature protein truncation or nonsense-mediated mRNA decay. As such, this alteration is interpreted as a disease-causing mutation.

Literature cited by the submitters: PubMed 20104584 (cited by Labcorp Genetics (formerly Invitae), Labcorp).

NM_007294.4(BRCA1):c.1155del (p.Trp385fs)

Gene: BRCA1 (BRCA1 DNA repair associated; minus strand). Cytogenetic location: 17q21.31.
Variant type: Deletion.
Coding change: c.1155del on transcript NM_007294.4 (MANE Select); coding-DNA position 1155, one base deleted (G; older notation c.1155delG).
Protein change: p.Trp385fs; shifts the reading frame from tryptophan 385.
Molecular consequence: frameshift variant. On other transcripts: intron variant (137).
Genome position (GRCh38, 1-based): chr17:43,094,376, C deleted on the plus strand (G on the coding strand, the reverse complement: BRCA1 is on the minus strand); the first of 2 consecutive C bases (chr17:43,094,376-43,094,377); deleting either gives the same sequence. VCF-style (leftmost placement, unchanged base first): chr17-43094375-AC-A. GRCh37 (hg19) VCF-style: chr17-41246392-AC-A.
Other names: c.670+1470del (NM_001408420.1, NM_001408419.1, NM_001408422.1 and 2 more transcripts); c.787+368del (NM_001408404.1, NM_001408472.1, NM_001407990.1 and 19 more transcripts); c.577+368del (NM_001408492.1, NM_001408513.1, NM_001408489.1 and 9 more transcripts); c.643+368del (NM_001408468.1, NM_001408465.1, NM_001408463.1 and 3 more transcripts); c.523+368del (NM_001408501.1, NM_001408500.1, NM_001408497.1 and 3 more transcripts); c.646+368del (NM_001408455.1, NM_001408466.1, NM_001408452.1 and 11 more transcripts); c.520+368del (NM_001408503.1, NM_001408505.1, NM_001408504.1); c.404-3344del (NM_001408511.1); and 41 more; short protein forms W385fs, W338fs, W314fs, W318fs, W337fs, W382fs, W384fs, W315fs.
Identifiers: ClinVar variation 1454280 (VCV001454280.9), dbSNP rs2154473109, ClinGen allele CA2573154020.